The following is an entry in ClinVar:

ClinVar aggregate classification (germline): Uncertain significance. Review status: criteria provided, multiple submitters, no conflicts (2 of 4 stars). 2 submissions from 2 submitters: Uncertain significance (2). Last evaluated 2025-08-10.

Conditions:
Inborn genetic diseases. Identifiers: MedGen C0950123, MeSH D030342.
Hyperkalemic periodic paralysis. Also called: Familial hyperkalemic periodic paralysis; Gamstorp disease. Identifiers: Orphanet 682, MedGen C0238357, MONDO:0008224, OMIM 170500, HP:0007215.

Allele frequency attached by ClinVar (database versions not stated): ExAC 0.00001.
gnomAD v4.1: 4 of 1,613,640 alleles (0.00025%); highest among the groups gnomAD compares: Admixed American, 0.0017%; no homozygotes.

Submissions (2):

Ambry Genetics
Classification: Uncertain significance for Inborn genetic diseases. Last evaluated: 2025-08-10. Review status: criteria provided, single submitter. Criteria: Ambry Variant Classification Scheme 2023. Collection method: clinical testing. Allele origin: germline.

Labcorp Genetics (formerly Invitae), Labcorp
Classification: Uncertain significance for Hyperkalemic periodic paralysis. Last evaluated: 2025-02-23. Review status: criteria provided, single submitter. Criteria: Invitae Variant Classification Sherloc (09022015). Collection method: clinical testing. Allele origin: germline.
Comment: This sequence change replaces leucine, which is neutral and non-polar, with phenylalanine, which is neutral and non-polar, at codon 438 of the SCN4A protein (p.Leu438Phe). This variant is present in population databases (rs765847714, gnomAD 0.003%). This variant has not been reported in the literature in individuals affected with SCN4A-related conditions. ClinVar contains an entry for this variant (Variation ID: 2999829). Invitae Evidence Modeling of protein sequence and biophysical properties (such as structural, functional, and spatial information, amino acid conservation, physicochemical variation, residue mobility, and thermodynamic stability) indicates that this missense variant is expected to disrupt SCN4A protein function with a positive predictive value of 95%. In summary, the available evidence is currently insufficient to determine the role of this variant in disease. Therefore, it has been classified as a Variant of Uncertain Significance.

NM_000334.4(SCN4A):c.1312C>T (p.Leu438Phe)

Gene: SCN4A (sodium voltage-gated channel alpha subunit 4; minus strand). Cytogenetic location: 17q23.3.
Variant type: single nucleotide variant.
Coding change: c.1312C>T on transcript NM_000334.4 (MANE Select); coding-DNA position 1312, C replaced by T.
Protein change: p.Leu438Phe; replaces leucine 438 with phenylalanine.
Molecular consequence: missense variant.
Genome position (GRCh38, 1-based): chr17:63,964,608, G>A on the plus strand (C>T on the coding strand, the complement: SCN4A is on the minus strand). VCF-style: chr17-63964608-G-A. GRCh37 (hg19) VCF-style: chr17-62041968-G-A.
Other names: short protein forms L438F.
Identifiers: ClinVar variation 2999829 (VCV002999829.4), dbSNP rs765847714, ClinGen allele CA8709870.